The following is an entry in ClinVar:

NM_001232.4(CASQ2):c.621A>G (p.Leu207=)

Gene: CASQ2 (calsequestrin 2; minus strand). Cytogenetic location: 1p13.1.
Variant type: single nucleotide variant.
Coding change: c.621A>G on transcript NM_001232.4 (MANE Select); coding-DNA position 621, A replaced by G.
Protein change: p.Leu207=; no amino-acid change (leucine 207 retained).
Molecular consequence: synonymous variant.
Genome position (GRCh38, 1-based): chr1:115,727,108, T>C on the plus strand (A>G on the coding strand, the complement: CASQ2 is on the minus strand). VCF-style: chr1-115727108-T-C. GRCh37 (hg19) VCF-style: chr1-116269729-T-C.
Identifiers: ClinVar variation 386343 (VCV000386343.1), dbSNP rs1057522481, ClinGen allele CA16603375.

ClinVar aggregate classification (germline): Likely benign (1 of 4 stars; one submission).

Submission:

GeneDx
Classification: Likely benign. Last evaluated: 2016-05-18. Review status: criteria provided, single submitter. Criteria: GeneDx Variant Classification (06012015). Collection method: clinical testing. Allele origin: germline. Affected: yes.
Comment: This variant is considered likely benign or benign based on one or more of the following criteria: it is a conservative change, it occurs at a poorly conserved position in the protein, it is predicted to be benign by multiple in silico algorithms, and/or has population frequency not consistent with disease.